The following is an entry in ClinVar:

ClinVar aggregate classification (germline): Pathogenic/Likely pathogenic. Review status: criteria provided, multiple submitters, no conflicts (2 of 4 stars). 3 submissions from 3 submitters: Pathogenic (1); Likely pathogenic (1). 1 of the submissions does not count toward it. Last evaluated 2019-12-02.

Conditions:
Spondylocarpotarsal synostosis syndrome (SCT). Also called: Spondylocarpotarsal Synostosis Syndrome (FLNB-SCT); Synspondylism congenital; Scoliosis, congenital with unilateral unsegmented bar; SPONDYLOCARPOTARSAL SYNDROME; VERTEBRAL FUSION WITH CARPAL COALITION. Identifiers: Orphanet 3275, MedGen C1848934, MONDO:0010094, OMIM 272460.
Contractures, pterygia, and spondylocarpotarsal fusion syndrome 1A (CPSFS1A). Also called: MULTIPLE PTERYGIUM SYNDROME, AUTOSOMAL DOMINANT; Distal arthrogryposis type 8; Contractures, pterygia, and variable skeletal fusions syndrome 1A. Identifiers: Orphanet 65743, MedGen C1867440, MONDO:0008338, OMIM 178110.
Arthrogryposis, distal, type 2B3. Also called: Arthrogryposis, distal, type 2B3 (Sheldon-Hall). Identifiers: MedGen C5193098, MONDO:0032751, OMIM 618436.

Allele frequency attached by ClinVar (database versions not stated): TOPMed below 0.00001; gnomAD 0.00001.

Submissions (3):

Centre for Mendelian Genomics, University Medical Centre Ljubljana
Classification: Likely pathogenic for Arthrogryposis, distal, type 2B3. Last evaluated: 2019-12-02. Review status: criteria provided, single submitter. Criteria: ACMG Guidelines, 2015. Collection method: clinical testing. Allele origin: unknown. Affected: yes.
Comment: This variant was classified as: Likely pathogenic. The following ACMG criteria were applied in classifying this variant: PM2,PP3,PP5.

Clinical Genetics Group, University of Otago
Classification: Pathogenic for Spondylocarpotarsal synostosis syndrome; Contractures, pterygia, and spondylocarpotarsal fusion syndrome 1A. Last evaluated: 2018-04-09. Review status: criteria provided, single submitter. Criteria: Cameron-Christie et al. (Am J Hum Genet. 2018). Collection method: clinical testing. Allele origin: maternal. Inheritance: Autosomal unknown. Affected: yes. Observed: 2 heterozygotes. Clinical features observed: Cervical and thoracic vertebral fusion, Carpal/tarsal fusion, Dysmorphism, Scoliosis, Webbing of neck and fingers, Contractures of fingers, Absent finger flexion creases.

OMIM
Classification: Pathogenic for CONTRACTURES, PTERYGIA, AND SPONDYLOCARPOTARSAL FUSION SYNDROME 1A. Last evaluated: 2020-02-27. Review status: no assertion criteria provided. Collection method: literature only. Allele origin: germline. Not counted in ClinVar's aggregate classification.

Literature cited by the submitters: PubMed 29805041 (cited by OMIM).

NM_002470.4(MYH3):c.1581+1G>A

Gene: MYH3 (myosin heavy chain 3; minus strand). Cytogenetic location: 17p13.1.
Variant type: single nucleotide variant.
Coding change: c.1581+1G>A on transcript NM_002470.4 (MANE Select); the canonical splice donor site of the intron after coding-DNA position 1581, G replaced by A.
Molecular consequence: splice donor variant.
Genome position (GRCh38, 1-based): chr17:10,642,825, C>T on the plus strand (G>A on the coding strand, the complement: MYH3 is on the minus strand). VCF-style: chr17-10642825-C-T. GRCh37 (hg19) VCF-style: chr17-10546142-C-T.
Identifiers: ClinVar variation 587702 (VCV000587702.7), dbSNP rs1350968647, ClinGen allele CA398172286.